The following is an entry in ClinVar:

ClinVar aggregate classification (germline): Uncertain significance (1 of 4 stars; one submission).

Submission:

Labcorp Genetics (formerly Invitae), Labcorp
Classification: Uncertain significance. Last evaluated: 2025-10-05. Review status: criteria provided, single submitter. Criteria: Invitae Variant Classification Sherloc (09022015). Collection method: clinical testing. Allele origin: germline.
Comment: This sequence change replaces glycine, which is neutral and non-polar, with valine, which is neutral and non-polar, at codon 536 of the ANK1 protein (p.Gly536Val). This variant is not present in population databases (gnomAD no frequency). This variant has not been reported in the literature in individuals affected with ANK1-related conditions. Invitae Evidence Modeling of protein sequence and biophysical properties (such as structural, functional, and spatial information, amino acid conservation, physicochemical variation, residue mobility, and thermodynamic stability) indicates that this missense variant is expected to disrupt ANK1 protein function with a positive predictive value of 80%. In summary, the available evidence is currently insufficient to determine the role of this variant in disease. Therefore, it has been classified as a Variant of Uncertain Significance.

NM_000037.4(ANK1):c.1607G>T (p.Gly536Val)

Gene: ANK1 (ankyrin 1; minus strand). Cytogenetic location: 8p11.21.
Variant type: single nucleotide variant.
Coding change: c.1607G>T on transcript NM_000037.4 (MANE Select); coding-DNA position 1607, G replaced by T.
Protein change: p.Gly536Val; replaces glycine 536 with valine.
Molecular consequence: missense variant.
Genome position (GRCh38, 1-based): chr8:41,715,070, C>A on the plus strand (G>T on the coding strand, the complement: ANK1 is on the minus strand). VCF-style: chr8-41715070-C-A. GRCh37 (hg19) VCF-style: chr8-41572588-C-A.
Other names: c.1706G>T, p.Gly569Val (NM_001142446.2); c.1607G>T, p.Gly536Val (NM_020475.3, NM_020476.3, NM_020477.3); short protein forms G569V, G536V.
Identifiers: ClinVar variation 4745251 (VCV004745251.1).